The following is an entry in ClinVar:

NC_000017.10:g.(?_45380067)_(45380226_?)del

Gene: ITGB3 (integrin subunit beta 3; plus strand). Cytogenetic location: 17q21.32.
Variant type: Deletion.
Identifiers: ClinVar variation 3243115 (VCV003243115.1).

ClinVar aggregate classification (germline): Uncertain significance (1 of 4 stars; one submission).

Submission:

Labcorp Genetics (formerly Invitae), Labcorp
Classification: Uncertain significance. Last evaluated: 2023-10-14. Review status: criteria provided, single submitter. Criteria: Invitae Variant Classification Sherloc (09022015). Collection method: clinical testing. Allele origin: unknown.
Comment: This variant is a gross deletion of the genomic region encompassing exon(s) 13 of the ITGB3 gene. This variant would be expected to be in-frame, preserving the integrity of the reading frame. A similar copy number variant has been observed in individual(s) with clinical features of ITGB3-related conditions (PMID: 31064749). Experimental studies and prediction algorithms are not available or were not evaluated, and the functional significance of this variant is currently unknown. In summary, the available evidence is currently insufficient to determine the role of this variant in disease. Therefore, it has been classified as a Variant of Uncertain Significance.

Literature cited by the submitters: PubMed 31064749.